The following is an entry in ClinVar:

ClinVar aggregate classification (germline): Uncertain significance. Review status: criteria provided, multiple submitters, no conflicts (2 of 4 stars). 2 submissions from 2 submitters: Uncertain significance (2). Last evaluated 2025-12-09.

Conditions:
Inborn genetic diseases. Identifiers: MedGen C0950123, MeSH D030342.

Allele frequency attached by ClinVar (database versions not stated): gnomAD exomes below 0.00001 and 0.00003; TOPMed 0.00001; ExAC 0.00002.
gnomAD v4.1: 7 of 1,614,106 alleles (0.00043%); highest among the groups gnomAD compares: Admixed American, 0.0083%; no homozygotes.

Submissions (2):

Ambry Genetics
Classification: Uncertain significance for Inborn genetic diseases. Last evaluated: 2025-12-09. Review status: criteria provided, single submitter. Criteria: Ambry Variant Classification Scheme 2023. Collection method: clinical testing. Allele origin: germline.

Labcorp Genetics (formerly Invitae), Labcorp
Classification: Uncertain significance. Last evaluated: 2025-01-07. Review status: criteria provided, single submitter. Criteria: Invitae Variant Classification Sherloc (09022015). Collection method: clinical testing. Allele origin: germline.
Comment: This sequence change replaces leucine, which is neutral and non-polar, with phenylalanine, which is neutral and non-polar, at codon 1004 of the MYO3A protein (p.Leu1004Phe). This variant is present in population databases (rs765346513, gnomAD 0.02%). This variant has not been reported in the literature in individuals affected with MYO3A-related conditions. ClinVar contains an entry for this variant (Variation ID: 1391722). Invitae Evidence Modeling of protein sequence and biophysical properties (such as structural, functional, and spatial information, amino acid conservation, physicochemical variation, residue mobility, and thermodynamic stability) indicates that this missense variant is not expected to disrupt MYO3A protein function with a negative predictive value of 80%. In summary, the available evidence is currently insufficient to determine the role of this variant in disease. Therefore, it has been classified as a Variant of Uncertain Significance.

NM_017433.5(MYO3A):c.3010C>T (p.Leu1004Phe)

Gene: MYO3A (myosin IIIA; plus strand). Cytogenetic location: 10p12.1.
Variant type: single nucleotide variant.
Coding change: c.3010C>T on transcript NM_017433.5 (MANE Select); coding-DNA position 3010, C replaced by T.
Protein change: p.Leu1004Phe; replaces leucine 1004 with phenylalanine.
Molecular consequence: missense variant.
Genome position (GRCh38, 1-based): chr10:26,166,077, C>T. VCF-style: chr10-26166077-C-T. GRCh37 (hg19) VCF-style: chr10-26455006-C-T.
Other names: c.3010C>T (NM_017433.4); short protein forms L1004F.
Identifiers: ClinVar variation 1391722 (VCV001391722.9), dbSNP rs765346513, ClinGen allele CA5445135.